The following is an entry in ClinVar:

NM_001360.3(DHCR7):c.626+1013G>A

Gene: DHCR7 (7-dehydrocholesterol reductase; minus strand). Cytogenetic location: 11q13.4.
Variant type: single nucleotide variant.
Coding change: c.626+1013G>A on transcript NM_001360.3 (MANE Select); 1013 bases into the intron after coding-DNA position 626, G replaced by A.
Molecular consequence: intron variant.
Genome position (GRCh38, 1-based): chr11:71,440,214, C>T on the plus strand (G>A on the coding strand, the complement: DHCR7 is on the minus strand). VCF-style: chr11-71440214-C-T. GRCh37 (hg19) VCF-style: chr11-71151260-C-T.
Other names: c.626+1013G>A (NM_001163817.2).
Identifiers: ClinVar variation 3235922 (VCV003235922.1), dbSNP rs533736438, ClinGen allele CA224329150.

ClinVar aggregate classification (germline): Uncertain significance (1 of 4 stars; one submission).

Conditions:
Smith-Lemli-Opitz syndrome (SLOS). Also called: POLYDACTYLY, SEX REVERSAL, RENAL HYPOPLASIA, AND UNILOBAR LUNG; RSH SYNDROME; RUTLEDGE LETHAL MULTIPLE CONGENITAL ANOMALY SYNDROME; 7-Dehydrocholesterol reductase deficiency; LETHAL ACRODYSGENITAL SYNDROME. Identifiers: Orphanet 818, MedGen C0175694, MONDO:0010035, OMIM 270400.

Allele frequency attached by ClinVar (database versions not stated): 1000 Genomes Project 0.00020; 1000 Genomes Project 30x 0.00047; gnomAD 0.00091.
gnomAD v4.1: 141 of 152,274 alleles (0.093%); highest among the groups gnomAD compares: Non-Finnish European, 0.15%; no homozygotes.

Submission:

New York Genome Center
Classification: Uncertain significance for Smith-Lemli-Opitz syndrome. Last evaluated: 2022-04-20. Review status: criteria provided, single submitter. Criteria: NYGC Assertion Criteria 2020. Collection method: clinical testing. Allele origin: inherited. Observed: 1 compound heterozygote. Study: PrenatalSEQ.
Comment: The inherited c.626+1013G>A deep intronic variant identified in intron 6 (of 8) of the DHCR7 gene has not been reported in affected individuals in the literature or in the ClinVar database. The variant has 0.0009267 allele frequency in the gnomAD(v3) database (141 out of 152156 heterozygous alleles, no homozygotes) suggesting it is not a common benign variant in the populations represented in that database. The variant affects a moderately conserved nucleotide in intron 6 of DHCR7. In silico tools suggest that this variant has low probability of affecting the normal mRNA splicing (Splice AI score = 0.00; TRAP score = 0.049). Based on the available evidence, the inherited c.626+1013G>A deep intronic variant identified in the DHCR7 gene is reported as a Variant of Uncertain Significance.